The following is an entry in ClinVar:

ClinVar aggregate classification (germline): Uncertain significance (1 of 4 stars; one submission).

Conditions:
Cardiovascular phenotype. Identifiers: MedGen CN230736.

Allele frequency attached by ClinVar (database versions not stated): gnomAD exomes below 0.00001; TOPMed below 0.00001.
gnomAD v4.1: 3 of 1,613,750 alleles (0.00019%); highest among the groups gnomAD compares: African/African-American, 0.0027%; no homozygotes.

Submission:

Ambry Genetics
Classification: Uncertain significance for Cardiovascular phenotype. Last evaluated: 2021-01-10. Review status: criteria provided, single submitter. Criteria: Ambry Variant Classification Scheme 2023. Collection method: clinical testing. Allele origin: germline.
Comment: The p.T3563I variant (also known as c.10688C>T), located in coding exon 16 of the ALMS1 gene, results from a C to T substitution at nucleotide position 10688. The threonine at codon 3563 is replaced by isoleucine, an amino acid with similar properties. This amino acid position is not well conserved in available vertebrate species. In addition, this alteration is predicted to be tolerated by in silico analysis. Since supporting evidence is limited at this time, the clinical significance of this alteration remains unclear.

NM_001378454.1(ALMS1):c.10685C>T (p.Thr3562Ile)

Gene: ALMS1 (ALMS1 centrosome and basal body associated protein; plus strand). Cytogenetic location: 2p13.1.
Variant type: single nucleotide variant.
Coding change: c.10685C>T on transcript NM_001378454.1 (MANE Select); coding-DNA position 10685, C replaced by T.
Protein change: p.Thr3562Ile; replaces threonine 3562 with isoleucine.
Molecular consequence: missense variant.
Genome position (GRCh38, 1-based): chr2:73,572,562, C>T. VCF-style: chr2-73572562-C-T. GRCh37 (hg19) VCF-style: chr2-73799689-C-T.
Other names: c.10688C>T, p.Thr3563Ile (NM_015120.4); short protein forms T3562I, T3563I.
Identifiers: ClinVar variation 1782355 (VCV001782355.2), dbSNP rs1674959661, ClinGen allele CA347284805.